The following is an entry in ClinVar:

ClinVar aggregate classification (germline): Pathogenic (0 of 4 stars; one submission).

Conditions:
Familial cancer of breast. Also called: Hereditary breast cancer; BREAST CANCER, FAMILIAL; hereditary breast carcinoma. Identifiers: Orphanet 227535, MedGen C0346153, MONDO:0016419, OMIM 114480. Disease mechanism: loss of function.

Submission:

King Laboratory, University of Washington
Classification: Pathogenic for Familial cancer of breast. Last evaluated: 2019-09-01. Review status: no assertion criteria provided. Collection method: research. Allele origin: germline. Affected: yes.
Comment: Transcript analysis by cBROCA

Literature cited by the submitters: PubMed 31843900.

NM_000051.4(ATM):c.7089+1_7089+38del

Genes: ATM (ATM serine/threonine kinase; plus strand), C11orf65 (chromosome 11 open reading frame 65; minus strand). Cytogenetic location: 11q22.3.
Variant type: Deletion.
Coding change: c.7089+1_7089+38del on transcript NM_000051.4 (MANE Select); the canonical splice donor site of the intron after coding-DNA position 7089 through 38 bases into the intron after coding-DNA position 7089, 38 bases deleted.
Molecular consequence: splice donor variant. On other transcripts: intron variant (2).
Genome position (GRCh38, 1-based): chr11:108,327,759-108,327,796, 38 bases deleted; deleting any 38 consecutive bases within chr11:108,327,757-108,327,796 gives the same sequence; the c. name uses the placement nearest the transcript's 3' end. GRCh37 (hg19): chr11:108,198,486-108,198,523.
Other names: c.7089+1_7089+38del (NM_001351834.2); c.641-18723_641-18686del (NM_001330368.2); c.*38+7426_*38+7463del (NM_001351110.2).
Identifiers: ClinVar variation 873413 (VCV000873413.4), dbSNP rs2085827807, ClinGen allele CA1139662267.